The following is an entry in ClinVar:

NM_000051.4(ATM):c.4727T>C (p.Ile1576Thr)

Gene: ATM (ATM serine/threonine kinase; plus strand). Cytogenetic location: 11q22.3.
Variant type: single nucleotide variant.
Coding change: c.4727T>C on transcript NM_000051.4 (MANE Select); coding-DNA position 4727, T replaced by C.
Protein change: p.Ile1576Thr; replaces isoleucine 1576 with threonine.
Molecular consequence: missense variant.
Genome position (GRCh38, 1-based): chr11:108,293,428, T>C. VCF-style: chr11-108293428-T-C. GRCh37 (hg19) VCF-style: chr11-108164155-T-C.
Other names: c.4727T>C, p.Ile1576Thr (NM_001351834.2); short protein forms I1576T.
Identifiers: ClinVar variation 933162 (VCV000933162.5), dbSNP rs2082922133, ClinGen allele CA382534992.

ClinVar aggregate classification (germline): Uncertain significance. Review status: criteria provided, multiple submitters, no conflicts (2 of 4 stars). 3 submissions from 3 submitters: Uncertain significance (3). Last evaluated 2026-01-05.

Conditions:
Hereditary cancer-predisposing syndrome. Also called: Tumor predisposition; Hereditary neoplastic syndrome; Neoplastic Syndromes, Hereditary; Hereditary Cancer Syndrome. Identifiers: Orphanet 140162, MedGen C0027672, MeSH D009386, MONDO:0015356.
Ataxia-telangiectasia syndrome (AT). Also called: Ataxia-telangiectasia, complementation group D; Cerebello-oculocutaneous telangiectasia; Immunodeficiency with ataxia telangiectasia; LOUIS-BAR SYNDROME; Ataxia-telangiectasia; AT, COMPLEMENTATION GROUP C. Identifiers: Orphanet 100, MedGen C0004135, MONDO:0008840, OMIM 208900.

Submissions (3):

Labcorp Genetics (formerly Invitae), Labcorp
Classification: Uncertain significance for Ataxia-telangiectasia syndrome. Last evaluated: 2026-01-05. Review status: criteria provided, single submitter. Criteria: Invitae Variant Classification Sherloc (09022015). Collection method: clinical testing. Allele origin: germline.
Comment: This sequence change replaces isoleucine, which is neutral and non-polar, with threonine, which is neutral and polar, at codon 1576 of the ATM protein (p.Ile1576Thr). This variant is not present in population databases (gnomAD no frequency). This variant has not been reported in the literature in individuals affected with ATM-related conditions. ClinVar contains an entry for this variant (Variation ID: 933162). Invitae Evidence Modeling of protein sequence and biophysical properties (such as structural, functional, and spatial information, amino acid conservation, physicochemical variation, residue mobility, and thermodynamic stability) indicates that this missense variant is not expected to disrupt ATM protein function with a negative predictive value of 95%. In summary, the available evidence is currently insufficient to determine the role of this variant in disease. Therefore, it has been classified as a Variant of Uncertain Significance.

Ambry Genetics
Classification: Uncertain significance for Hereditary cancer-predisposing syndrome. Last evaluated: 2022-04-05. Review status: criteria provided, single submitter. Criteria: Ambry Variant Classification Scheme 2023. Collection method: clinical testing. Allele origin: germline.
Comment: The p.I1576T variant (also known as c.4727T>C), located in coding exon 30 of the ATM gene, results from a T to C substitution at nucleotide position 4727. The isoleucine at codon 1576 is replaced by threonine, an amino acid with similar properties. This amino acid position is conserved. In addition, this alteration is predicted to be tolerated by in silico analysis. Since supporting evidence is limited at this time, the clinical significance of this alteration remains unclear.

Women's Health and Genetics/Laboratory Corporation of America, LabCorp
Classification: Uncertain significance. Last evaluated: 2020-06-29. Review status: criteria provided, single submitter. Criteria: LabCorp Variant Classification Summary - May 2015. Collection method: clinical testing. Allele origin: germline.
Comment: Variant summary: ATM c.4727T>C (p.Ile1576Thr) results in a non-conservative amino acid change in the encoded protein sequence. Four of five in-silico tools predict a benign effect of the variant on protein function. The variant was absent in 250980 control chromosomes (gnomAD). The available data on variant occurrences in the general population are insufficient to allow any conclusion about variant significance. To our knowledge, no occurrence of c.4727T>C in individuals affected with Breast Cancer and no experimental evidence demonstrating its impact on protein function have been reported. No clinical diagnostic laboratories have submitted clinical-significance assessments for this variant to ClinVar after 2014. Based on the evidence outlined above, the variant was classified as uncertain significance.